The following is an entry in ClinVar:

ClinVar aggregate classification (germline): Uncertain significance. Review status: criteria provided, multiple submitters, no conflicts (2 of 4 stars). 3 submissions from 3 submitters: Uncertain significance (3). Last evaluated 2021-12-13.

Conditions:
Inborn genetic diseases. Identifiers: MedGen C0950123, MeSH D030342.
Nephrolithiasis, calcium oxalate. Also called: Calcium oxalate urolithiasis. Identifiers: MedGen C1833683, MONDO:0957318, HP:0008672.

Allele frequency attached by ClinVar (database versions not stated): gnomAD 0.00001; TOPMed 0.00001; gnomAD exomes 0.00004 and 0.00005; ExAC 0.00011.
gnomAD v4.1: 65 of 1,559,206 alleles (0.0042%); highest among the groups gnomAD compares: South Asian, 0.014%; no homozygotes.

Submissions (3):

Fulgent Genetics
Classification: Uncertain significance for Nephrolithiasis susceptibility caused by SLC26A1. Last evaluated: 2021-12-13. Review status: criteria provided, single submitter. Criteria: ACMG Guidelines, 2015. Collection method: clinical testing. Allele origin: unknown.

Ambry Genetics
Classification: Uncertain significance for Inborn genetic diseases. Last evaluated: 2021-09-15. Review status: criteria provided, single submitter. Criteria: Ambry Variant Classification Scheme 2023. Collection method: clinical testing. Allele origin: germline.

Labcorp Genetics (formerly Invitae), Labcorp
Classification: Uncertain significance. Last evaluated: 2019-07-15. Review status: criteria provided, single submitter. Criteria: Invitae Variant Classification Sherloc (09022015). Collection method: clinical testing. Allele origin: germline.
Comment: In summary, the available evidence is currently insufficient to determine the role of this variant in disease. Therefore, it has been classified as a Variant of Uncertain Significance. Algorithms developed to predict the effect of missense changes on protein structure and function output the following: SIFT: "Tolerated"; PolyPhen-2: "Benign"; Align-GVGD: "Class C0". The glutamine amino acid residue is found in multiple mammalian species, suggesting that this missense change does not adversely affect protein function. These predictions have not been confirmed by published functional studies and their clinical significance is uncertain. This variant has not been reported in the literature in individuals with SLC26A1-related conditions. This variant is present in population databases (rs758753898, ExAC 0.03%). This sequence change replaces arginine with glutamine at codon 411 of the SLC26A1 protein (p.Arg411Gln). The arginine residue is weakly conserved and there is a small physicochemical difference between arginine and glutamine.

NM_022042.4(SLC26A1):c.1232G>A (p.Arg411Gln)

Genes: IDUA (alpha-L-iduronidase; plus strand), SLC26A1 (solute carrier family 26 member 1; minus strand). Cytogenetic location: 4p16.3.
Variant type: single nucleotide variant.
Coding change: c.1232G>A on transcript NM_022042.4 (MANE Select); coding-DNA position 1232, G replaced by A.
Protein change: p.Arg411Gln; replaces arginine 411 with glutamine.
Molecular consequence: missense variant. On other transcripts: intron variant (2).
Genome position (GRCh38, 1-based): chr4:989,707, C>T on the plus strand (G>A on the coding strand, the complement: SLC26A1 is on the minus strand). VCF-style: chr4-989707-C-T. GRCh37 (hg19) VCF-style: chr4-983495-C-T.
Other names: c.1232G>A, p.Arg411Gln (NM_213613.4); c.576+1421G>A (NM_134425.4); c.299+1758C>T (NM_000203.5); c.1232G>A (NM_213613.2); short protein forms R411Q.
Identifiers: ClinVar variation 952663 (VCV000952663.12), dbSNP rs758753898, ClinGen allele CA2801435.
Genomic context (GRCh38, chr4:989,707, plus strand): 5'-GCCAGCGCCAGCAGCACCAGCAGCACCACGGTGGCGCTGACCACGCTGGACAGCTGTGTC[C>T]GGCAGCCAGTGGCTGTCTTCACCAGGCTCTTGGCCAGGGCGGCGCTGGTGGCGAAGCAGT-3'
Protein context (NP_071325.2, residues 401-421): KSLVKTATGC[Arg411Gln]TQLSSVVSAT